The following is an entry in ClinVar:

ClinVar aggregate classification (germline): Benign/Likely benign. Review status: criteria provided, multiple submitters, no conflicts (2 of 4 stars). 14 submissions from 13 submitters: Benign (7); Likely benign (4). 3 of the submissions do not count toward it. Last evaluated 2026-09-01.

Conditions:
Glycogen storage disease IV, classic hepatic. Also called: GSD IV, CLASSIC HEPATIC. Identifiers: MedGen C1856301.
Glycogen storage disease, type IV (GSD4). Also called: Glycogen storage disease due to glycogen branching enzyme deficiency; AMYLOPECTINOSIS; ANDERSEN DISEASE; BRANCHER DEFICIENCY; CIRRHOSIS, FAMILIAL, WITH DEPOSITION OF ABNORMAL GLYCOGEN; GBE1 DEFICIENCY. Identifiers: Orphanet 367, MedGen C0017923, MONDO:0009292, OMIM 232500.
Adult polyglucosan body disease (APBN). Also called: POLYGLUCOSAN BODY DISEASE, ADULT FORM; GBE1-Adult Polyglucosan Body Disease. Identifiers: Orphanet 206583, MedGen C1849722, MONDO:0009897, OMIM 263570.

Allele frequency attached by ClinVar (database versions not stated): TOPMed 0.00539; ExAC 0.00623; gnomAD exomes 0.00818 and 0.00502; 1000 Genomes Project 0.00359; 1000 Genomes Project 30x 0.00359; ESP Exome Variant Server 0.00506; gnomAD 0.00516 and 0.00529.
gnomAD v4.1: 12,581 of 1,609,962 alleles (0.78%); highest among the groups gnomAD compares: Non-Finnish European, 0.97%; 64 homozygotes.

Submissions (14):

CeGaT Center for Human Genetics Tuebingen
Classification: Likely benign. Last evaluated: 2026-09-01. Review status: criteria provided, single submitter. Criteria: CeGaT Center For Human Genetics Tuebingen Variant Classification Criteria Version 2. Collection method: clinical testing. Allele origin: germline. Affected: yes. Observed: 48 variant alleles.
Comment: GBE1: BP4, BS2

Labcorp Genetics (formerly Invitae), Labcorp
Classification: Benign for Glycogen storage disease, type IV; Glycogen storage disease IV, classic hepatic. Last evaluated: 2026-02-04. Review status: criteria provided, single submitter. Criteria: Invitae Variant Classification Sherloc (09022015). Collection method: clinical testing. Allele origin: germline.

Mayo Clinic Laboratories, Mayo Clinic
Classification: Likely benign. Last evaluated: 2025-05-22. Review status: criteria provided, single submitter. Criteria: ACMG Guidelines, 2015. Collection method: clinical testing. Allele origin: germline. Observed: 42 variant alleles.
Comment: BS1, BP4_moderate

Blueprint Genetics
Classification: Likely benign. Last evaluated: 2024-11-22. Review status: criteria provided, single submitter. Criteria: ACMG Guidelines, 2015. Collection method: clinical testing. Allele origin: germline.

Women's Health and Genetics/Laboratory Corporation of America, LabCorp
Classification: Benign. Last evaluated: 2022-06-08. Review status: criteria provided, single submitter. Criteria: LabCorp Variant Classification Summary - May 2015. Collection method: clinical testing. Allele origin: germline.
Comment: Variant summary: GBE1 c.2017G>A (p.Ala673Thr) results in a non-conservative amino acid change located in the Alpha-amylase/branching enzyme, C-terminal all beta domain (IPR006048) of the encoded protein sequence. Four of five in-silico tools predict a benign effect of the variant on protein function. The variant allele was found at a frequency of 0.005 in 277576 control chromosomes (gnomAD), predominantly at a frequency of 0.0083 within the Non-Finnish European subpopulation in the gnomAD database, including 6 homozygotes. The observed variant frequency within Non-Finnish European control individuals in the gnomAD database is approximately 6 fold of the estimated maximal expected allele frequency for a pathogenic variant in GBE1 causing Glycogen Storage Disease, Type IV (0.0013), strongly suggesting that the variant is a benign polymorphism found primarily in populations of Non-Finnish European origin. Six ClinVar submitters have assessed the variant since 2014: one classified the variant as likely benign, and five as benign. Based on the evidence outlined above, the variant was classified as benign.

Fulgent Genetics
Classification: Likely benign for Glycogen storage disease, type IV; Adult polyglucosan body disease. Last evaluated: 2022-04-12. Review status: criteria provided, single submitter. Criteria: ACMG Guidelines, 2015. Collection method: clinical testing. Allele origin: unknown.

GeneDx
Classification: Benign. Last evaluated: 2020-05-20. Review status: criteria provided, single submitter. Criteria: GeneDx Variant Classification Process June 2021. Collection method: clinical testing. Allele origin: germline. Affected: yes.
Comment: This variant is associated with the following publications: (PMID: 26670585, 31862442)

Illumina Laboratory Services, Illumina
Classification: Benign for Adult polyglucosan body disease. Last evaluated: 2017-04-27. Review status: criteria provided, single submitter. Criteria: ICSL Variant Classification Criteria 13 December 2019. Collection method: clinical testing. Allele origin: germline.
Comment: This variant was observed as part of a predisposition screen in an ostensibly healthy population. A literature search was performed for the gene, cDNA change, and amino acid change (where applicable). Publications were found based on this search. The evidence from the literature, in combination with allele frequency data from public databases where available, was sufficient to rule this variant out of causing disease. Therefore, this variant is classified as benign.

Illumina Laboratory Services, Illumina
Classification: Benign for Glycogen storage disease, type IV. Last evaluated: 2017-04-27. Review status: criteria provided, single submitter. Criteria: ICSL Variant Classification Criteria 13 December 2019. Collection method: clinical testing. Allele origin: germline.
Comment: the same text as in the submission from Illumina Laboratory Services, Illumina above.

PreventionGenetics, part of Exact Sciences
Classification: Benign. Last evaluated: 2016-02-17. Review status: criteria provided, single submitter. Criteria: ACMG Guidelines, 2015. Collection method: clinical testing. Allele origin: germline.

Center for Pediatric Genomic Medicine, Children's Mercy Hospital and Clinics
Classification: Benign. Last evaluated: 2015-02-10. Review status: criteria provided, single submitter. Criteria: ACMG Guidelines, 2015. Collection method: clinical testing. Allele origin: germline.

Clinical Genetics, Academic Medical Center
Classification: Likely benign. Review status: no assertion criteria provided. Collection method: clinical testing. Allele origin: germline. Affected: yes. Study: VKGL Data-share Consensus. Not counted in ClinVar's aggregate classification.

Genome Diagnostics Laboratory, University Medical Center Utrecht
Classification: Likely benign. Review status: no assertion criteria provided. Collection method: clinical testing. Allele origin: germline. Affected: yes. Study: VKGL Data-share Consensus. Not counted in ClinVar's aggregate classification.

Laboratory of Diagnostic Genome Analysis, Leiden University Medical Center (LUMC)
Classification: Likely benign. Review status: no assertion criteria provided. Collection method: clinical testing. Allele origin: germline. Affected: yes. Study: VKGL Data-share Consensus. Not counted in ClinVar's aggregate classification.

Literature cited by the submitters: PubMed 26670585 (cited by Mayo Clinic Laboratories, Mayo Clinic and Illumina Laboratory Services, Illumina); PubMed 31862442 (cited by Mayo Clinic Laboratories, Mayo Clinic).

NM_000158.4(GBE1):c.2017G>A (p.Ala673Thr)

Gene: GBE1 (1,4-alpha-glucan branching enzyme 1; minus strand). Cytogenetic location: 3p12.2.
Variant type: single nucleotide variant.
Coding change: c.2017G>A on transcript NM_000158.4 (MANE Select); coding-DNA position 2017, G replaced by A.
Protein change: p.Ala673Thr; replaces alanine 673 with threonine.
Molecular consequence: missense variant.
Genome position (GRCh38, 1-based): chr3:81,499,145, C>T on the plus strand (G>A on the coding strand, the complement: GBE1 is on the minus strand). VCF-style: chr3-81499145-C-T. GRCh37 (hg19) VCF-style: chr3-81548296-C-T.
Other names: p.Ala673Thr; short protein forms A673T.
Identifiers: ClinVar variation 235560 (VCV000235560.63), dbSNP rs193074572, ClinGen allele CA2499485.
Genomic context (GRCh38, chr3:81,499,145, plus strand): 5'-GAAATATGTTGAGAAACTTACTTACCAAAAGAGAATAGGGACGCCCATTATGTTCAAAAG[C>T]CTCAGAAAAAAAGTCAGTGCTGTGGTCCAGTCTCTGATGCCCTCCATATTCCGCTGCATC-3'
Protein context (NP_000149.4, residues 663-683): LDHSTDFFSE[Ala673Thr]FEHNGRPYSL